The following is an entry in ClinVar:

ClinVar aggregate classification (germline): Uncertain significance (1 of 4 stars; one submission).

Conditions:
Spastic paraplegia. Identifiers: MedGen C0037772, HP:0001258.

Allele frequency attached by ClinVar (database versions not stated): gnomAD exomes below 0.00001.

Submission:

Labcorp Genetics (formerly Invitae), Labcorp
Classification: Uncertain significance for Spastic paraplegia. Last evaluated: 2019-04-15. Review status: criteria provided, single submitter. Criteria: Invitae Variant Classification Sherloc (09022015). Collection method: clinical testing. Allele origin: germline.
Comment: This variant has not been reported in the literature in individuals with SACS-related conditions. Algorithms developed to predict the effect of missense changes on protein structure and function are either unavailable or do not agree on the potential impact of this missense change (SIFT: "Deleterious"; PolyPhen-2: "Probably Damaging"; Align-GVGD: "Class C0"). This variant is not present in population databases (ExAC no frequency). In summary, the available evidence is currently insufficient to determine the role of this variant in disease. Therefore, it has been classified as a Variant of Uncertain Significance. This sequence change replaces leucine with phenylalanine at codon 802 of the SACS protein (p.Leu802Phe). The leucine residue is highly conserved and there is a small physicochemical difference between leucine and phenylalanine.

NM_014363.6(SACS):c.2404C>T (p.Leu802Phe)

Gene: SACS (sacsin molecular chaperone; minus strand). Cytogenetic location: 13q12.12.
Variant type: single nucleotide variant.
Coding change: c.2404C>T on transcript NM_014363.6 (MANE Select); coding-DNA position 2404, C replaced by T.
Protein change: p.Leu802Phe; replaces leucine 802 with phenylalanine.
Molecular consequence: missense variant.
Genome position (GRCh38, 1-based): chr13:23,341,472, G>A on the plus strand (C>T on the coding strand, the complement: SACS is on the minus strand). VCF-style: chr13-23341472-G-A. GRCh37 (hg19) VCF-style: chr13-23915611-G-A.
Other names: c.1963C>T, p.Leu655Phe (NM_001278055.2); short protein forms L655F, L802F.
Identifiers: ClinVar variation 851981 (VCV000851981.9), dbSNP rs1869215579, ClinGen allele CA387539103.
Genomic context (GRCh38, chr13:23,341,472, plus strand): 5'-TCCTGAGTCTAATGAGTTCCACACATGTCTGACCTTCCTCTAGTATAGTTCTGGGGATAA[G>A]TGGCATCTCATCAAATAAAGTCAAATCCTCTGAAAAATGTATATAAAGATTTTTCCAAAC-3'
Protein context (NP_055178.3, residues 792-812): EDLTLFDEMP[Leu802Phe]IPRTILEEGQ